The following is an entry in ClinVar:

ClinVar aggregate classification (germline): Uncertain significance (1 of 4 stars; one submission).

Submission:

GeneDx
Classification: Uncertain significance. Last evaluated: 2023-06-14. Review status: criteria provided, single submitter. Criteria: GeneDx Variant Classification Process June 2021. Collection method: clinical testing. Allele origin: germline. Affected: yes.
Comment: Not observed at significant frequency in large population cohorts (gnomAD); In silico analysis supports that this missense variant has a deleterious effect on protein structure/function; Has not been previously published as pathogenic or benign to our knowledge

NM_001009944.3(PKD1):c.11552T>G (p.Phe3851Cys)

Genes: PKD1 (polycystin 1, transient receptor potential channel interacting; minus strand), PKD1-AS1 (PKD1 antisense RNA 1; plus strand). Cytogenetic location: 16p13.3.
Variant type: single nucleotide variant.
Coding change: c.11552T>G on transcript NM_001009944.3 (MANE Select); coding-DNA position 11552, T replaced by G.
Protein change: p.Phe3851Cys; replaces phenylalanine 3851 with cysteine.
Molecular consequence: missense variant. On other transcripts: non-coding transcript variant (1).
Genome position (GRCh38, 1-based): chr16:2,091,583, A>C on the plus strand (T>G on the coding strand, the complement: PKD1 is on the minus strand). VCF-style: chr16-2091583-A-C. GRCh37 (hg19) VCF-style: chr16-2141584-A-C.
Other names: c.11549T>G, p.Phe3850Cys (NM_000296.4); short protein forms F3850C, F3851C.
Identifiers: ClinVar variation 3359719 (VCV003359719.1).